The following is an entry in ClinVar:

NM_002585.4(PBX1):c.145C>T (p.Gln49Ter)

Gene: PBX1 (PBX homeobox 1; plus strand). Cytogenetic location: 1q23.3.
Variant type: single nucleotide variant.
Coding change: c.145C>T on transcript NM_002585.4 (MANE Select); coding-DNA position 145, C replaced by T.
Protein change: p.Gln49Ter; replaces glutamine 49 with a stop codon.
Molecular consequence: nonsense. On other transcripts: 5 prime UTR variant (1).
Genome position (GRCh38, 1-based): chr1:164,559,967, C>T. VCF-style: chr1-164559967-C-T. GRCh37 (hg19) VCF-style: chr1-164529204-C-T.
Other names: c.145C>T, p.Gln49Ter (NM_001204961.2, NM_001204963.2, NM_001353131.2); c.-31C>T (NM_001353130.1); short protein forms Q49*.
Identifiers: ClinVar variation 666556 (VCV000666556.2), dbSNP rs1571217834, ClinGen allele CA343470495.

ClinVar aggregate classification (germline): Likely pathogenic. Review status: criteria provided, single submitter (1 of 4 stars). 2 submissions from 2 submitters: Likely pathogenic (1). 1 of the submissions does not count toward it. Last evaluated 2018-07-25.

Conditions:
Congenital anomalies of kidney and urinary tract syndrome with or without hearing loss, abnormal ears, or developmental delay. Also called: Congenital Anomalies of the Kidney and Urinary Tract syndrome with or without Hearing Loss, Abnormal Ears, or Developmental Delay. Identifiers: Orphanet 656130, MedGen C4539968, MONDO:0060549, OMIM 617641.

Submissions (2):

Equipe Genetique des Anomalies du Developpement, Université de Bourgogne
Classification: Likely pathogenic for Congenital anomalies of kidney and urinary tract syndrome with or without hearing loss, abnormal ears, or developmental delay. Last evaluated: 2018-07-25. Review status: criteria provided, single submitter. Criteria: ACMG Guidelines, 2015. Collection method: clinical testing. Allele origin: de novo. Affected: yes.

Solve-RD Consortium
Classification: Likely pathogenic for Congenital anomalies of kidney and urinary tract syndrome with or without hearing loss, abnormal ears, or developmental delay. Last evaluated: 2022-06-01. Review status: no assertion criteria provided. Collection method: provider interpretation. Allele origin: inherited. Affected: yes. Not counted in ClinVar's aggregate classification.
Comment: Variant confirmed as disease-causing by referring clinical team

Variant identified during reanalysis of unsolved cases by the Solve-RD project. The Solve-RD project has received funding from the European Union’s Horizon 2020 research and innovation programme under grant agreement No 779257.

Literature cited by the submitters: PubMed 39825153 (cited by Solve-RD Consortium).